The following is an entry in ClinVar:

ClinVar aggregate classification (germline): Uncertain significance (1 of 4 stars; one submission).

Allele frequency attached by ClinVar (database versions not stated): gnomAD exomes below 0.00001.

Submission:

Labcorp Genetics (formerly Invitae), Labcorp
Classification: Uncertain significance. Last evaluated: 2024-09-22. Review status: criteria provided, single submitter. Criteria: Invitae Variant Classification Sherloc (09022015). Collection method: clinical testing. Allele origin: germline.
Comment: This sequence change replaces methionine, which is neutral and non-polar, with leucine, which is neutral and non-polar, at codon 104 of the CTNNA1 protein (p.Met104Leu). This variant is not present in population databases (gnomAD no frequency). This variant has not been reported in the literature in individuals affected with CTNNA1-related conditions. ClinVar contains an entry for this variant (Variation ID: 1461093). An algorithm developed to predict the effect of missense changes on protein structure and function (PolyPhen-2) suggests that this variant is likely to be tolerated. In summary, the available evidence is currently insufficient to determine the role of this variant in disease. Therefore, it has been classified as a Variant of Uncertain Significance.

NM_001903.5(CTNNA1):c.310A>T (p.Met104Leu)

Gene: CTNNA1 (catenin alpha 1; plus strand). Cytogenetic location: 5q31.2.
Variant type: single nucleotide variant.
Coding change: c.310A>T on transcript NM_001903.5 (MANE Select); coding-DNA position 310, A replaced by T.
Protein change: p.Met104Leu; replaces methionine 104 with leucine.
Molecular consequence: missense variant. On other transcripts: initiator codon variant (1), intron variant (1).
Genome position (GRCh38, 1-based): chr5:138,810,046, A>T. VCF-style: chr5-138810046-A-T. GRCh37 (hg19) VCF-style: chr5-138145735-A-T.
Other names: c.310A>T, p.Met104Leu (NM_001290307.3, NM_001323982.2, NM_001323983.1 and 3 more transcripts); c.1A>T, p.Met1Leu (NM_001290309.3); c.-5-55A>T (NM_001290310.3); short protein forms M104L, M1L.
Identifiers: ClinVar variation 1461093 (VCV001461093.6), dbSNP rs1238309688, ClinGen allele CA361122791.